The following is an entry in ClinVar:

NM_020770.3(CGN):c.505A>C (p.Thr169Pro)

Gene: CGN (cingulin; plus strand). Cytogenetic location: 1q21.3.
Variant type: single nucleotide variant.
Coding change: c.505A>C on transcript NM_020770.3 (MANE Select); coding-DNA position 505, A replaced by C.
Protein change: p.Thr169Pro; replaces threonine 169 with proline.
Molecular consequence: missense variant.
Genome position (GRCh38, 1-based): chr1:151,519,024, A>C. VCF-style: chr1-151519024-A-C. GRCh37 (hg19) VCF-style: chr1-151491500-A-C.
Other names: short protein forms T169P.
Identifiers: ClinVar variation 4653110 (VCV004653110.1).

ClinVar aggregate classification (germline): Uncertain significance (1 of 4 stars; one submission).

gnomAD v4.1: 17 of 1,614,064 alleles (0.0011%); highest among the groups gnomAD compares: Admixed American, 0.01%; no homozygotes.

Submission:

Ambry Genetics
Classification: Uncertain significance. Last evaluated: 2025-11-26. Review status: criteria provided, single submitter. Criteria: Ambry Variant Classification Scheme 2023. Collection method: clinical testing. Allele origin: germline.
Comment: The c.505A>C (p.T169P) alteration is located in exon 2 (coding exon 1) of the CGN gene. This alteration results from a A to C substitution at nucleotide position 505, causing the threonine (T) at amino acid position 169 to be replaced by a proline (P). Based on data from gnomAD, the C allele has an overall frequency of 0.003% (7/282704) total alleles studied. The highest observed frequency was 0.014% (5/35436) of Latino alleles. Based on insufficient or conflicting evidence, the clinical significance of this alteration remains unclear.